The following is an entry in ClinVar:

NM_000245.4(MET):c.3963C>A (p.His1321Gln)

Gene: MET (MET proto-oncogene, receptor tyrosine kinase; plus strand). Cytogenetic location: 7q31.2.
Variant type: single nucleotide variant.
Coding change: c.3963C>A on transcript NM_000245.4 (MANE Select); coding-DNA position 3963, C replaced by A.
Protein change: p.His1321Gln; replaces histidine 1321 with glutamine.
Molecular consequence: missense variant.
Genome position (GRCh38, 1-based): chr7:116,795,914, C>A. VCF-style: chr7-116795914-C-A. GRCh37 (hg19) VCF-style: chr7-116435968-C-A.
Other names: c.4017C>A, p.His1339Gln (NM_001127500.3); c.2673C>A, p.His891Gln (NM_001324402.2); short protein forms H1321Q, H1339Q, H891Q.
Identifiers: ClinVar variation 4106709 (VCV004106709.1).

ClinVar aggregate classification (germline): Uncertain significance (1 of 4 stars; one submission).

Conditions:
Hereditary cancer-predisposing syndrome. Also called: Tumor predisposition; Neoplastic Syndromes, Hereditary; Hereditary neoplastic syndrome; Hereditary Cancer Syndrome. Identifiers: Orphanet 140162, MedGen C0027672, MeSH D009386, MONDO:0015356.

gnomAD v4.1: 1 of 1,614,186 alleles (0.000062%); highest among the groups gnomAD compares: Non-Finnish European, 0.000085%; no homozygotes.

Submission:

Ambry Genetics
Classification: Uncertain significance for Hereditary cancer-predisposing syndrome. Last evaluated: 2025-09-11. Review status: criteria provided, single submitter. Criteria: Ambry Variant Classification Scheme 2023. Collection method: clinical testing. Allele origin: germline.
Comment: The p.H1339Q variant (also known as c.4017C>A), located in coding exon 20 of the MET gene, results from a C to A substitution at nucleotide position 4017. The histidine at codon 1339 is replaced by glutamine, an amino acid with highly similar properties. This amino acid position is conserved. In addition, the in silico prediction for this alteration is inconclusive. Based on the available evidence, the clinical significance of this variant remains unclear.